The following is an entry in ClinVar:

ClinVar aggregate classification (germline): Likely benign (1 of 4 stars; one submission).

Conditions:
Hereditary cancer-predisposing syndrome. Also called: Neoplastic Syndromes, Hereditary; Tumor predisposition; Hereditary Cancer Syndrome; Hereditary neoplastic syndrome. Identifiers: Orphanet 140162, MedGen C0027672, MeSH D009386, MONDO:0015356.

Allele frequency attached by ClinVar (database versions not stated): TOPMed below 0.00001; gnomAD 0.00001.
gnomAD v4.1: 1 of 1,614,036 alleles (0.000062%); highest among the groups gnomAD compares: Non-Finnish European, 0.000085%; no homozygotes.

Submission:

Ambry Genetics
Classification: Likely benign for Hereditary cancer-predisposing syndrome. Last evaluated: 2015-08-19. Review status: criteria provided, single submitter. Criteria: Ambry Autosomal Dominant and X-Linked criteria (10/2015). Collection method: clinical testing. Allele origin: germline. Observed: 1 variant allele.
Comment: Synonymous alterations with insufficient evidence to classify as benign

NM_001042492.3(NF1):c.3679C>T (p.Leu1227=)

Gene: NF1 (neurofibromin 1; plus strand). Cytogenetic location: 17q11.2.
Variant type: single nucleotide variant.
Coding change: c.3679C>T on transcript NM_001042492.3 (MANE Select); coding-DNA position 3679, C replaced by T.
Protein change: p.Leu1227=; no amino-acid change (leucine 1227 retained).
Molecular consequence: synonymous variant.
Genome position (GRCh38, 1-based): chr17:31,233,184, C>T. VCF-style: chr17-31233184-C-T. GRCh37 (hg19) VCF-style: chr17-29560202-C-T.
Other names: c.3679C>T, p.Leu1227= (NM_000267.4).
Identifiers: ClinVar variation 233476 (VCV000233476.3), dbSNP rs876660431, ClinGen allele CA10580290.